The following is an entry in ClinVar:

ClinVar aggregate classification (germline): Uncertain significance. Review status: criteria provided, multiple submitters, no conflicts (2 of 4 stars). 4 submissions from 4 submitters: Uncertain significance (4). Last evaluated 2025-12-03.

Conditions:
Cardiovascular phenotype. Identifiers: MedGen CN230736.
Naxos disease (NXD). Also called: WOOLLY HAIR, PALMOPLANTAR KERATODERMA, AND CARDIAC ABNORMALITIES; CARDIOMYOPATHY, ARRHYTHMOGENIC RIGHT VENTRICULAR, WITH SKIN, HAIR, AND NAIL ABNORMALITIES; PALMOPLANTAR KERATODERMA WITH ARRHYTHMOGENIC RIGHT VENTRICULAR CARDIOMYOPATHY AND WOOLLY HAIR; KERATOSIS PALMOPLANTARIS WITH ARRHYTHMOGENIC CARDIOMYOPATHY; MAL DE NAXOS. Identifiers: Orphanet 34217, MedGen C1832600, MONDO:0011017, OMIM 601214.
Arrhythmogenic right ventricular dysplasia 12. Also called: ARRHYTHMOGENIC RIGHT VENTRICULAR DYSPLASIA, FAMILIAL, 12. Identifiers: MedGen C1969081, MONDO:0012684, OMIM 611528.

Allele frequency attached by ClinVar (database versions not stated): gnomAD exomes 0.00001; TOPMed 0.00001; ExAC 0.00003.

Submissions (4):

Mayo Clinic Laboratories, Mayo Clinic
Classification: Uncertain significance. Last evaluated: 2025-12-03. Review status: criteria provided, single submitter. Criteria: ACMG Guidelines, 2015. Collection method: clinical testing. Allele origin: germline. Observed: 1 variant allele.
Comment: BP4, BP5

Ambry Genetics
Classification: Uncertain significance for Cardiovascular phenotype. Last evaluated: 2025-08-13. Review status: criteria provided, single submitter. Criteria: Ambry Variant Classification Scheme 2023. Collection method: clinical testing. Allele origin: germline.

Labcorp Genetics (formerly Invitae), Labcorp
Classification: Uncertain significance for Arrhythmogenic right ventricular dysplasia 12; Naxos disease. Last evaluated: 2024-08-17. Review status: criteria provided, single submitter. Criteria: Invitae Variant Classification Sherloc (09022015). Collection method: clinical testing. Allele origin: germline.
Comment: This sequence change replaces aspartic acid, which is acidic and polar, with tyrosine, which is neutral and polar, at codon 71 of the JUP protein (p.Asp71Tyr). The frequency data for this variant in the population databases is considered unreliable, as metrics indicate poor data quality at this position in the gnomAD database. This variant has not been reported in the literature in individuals affected with JUP-related conditions. ClinVar contains an entry for this variant (Variation ID: 1427673). An algorithm developed to predict the effect of missense changes on protein structure and function (PolyPhen-2) suggests that this variant is likely to be tolerated. In summary, the available evidence is currently insufficient to determine the role of this variant in disease. Therefore, it has been classified as a Variant of Uncertain Significance.

Fulgent Genetics
Classification: Uncertain significance for Naxos disease; Arrhythmogenic right ventricular dysplasia 12. Last evaluated: 2021-08-30. Review status: criteria provided, single submitter. Criteria: ACMG Guidelines, 2015. Collection method: clinical testing. Allele origin: unknown.

NM_002230.4(JUP):c.211G>T (p.Asp71Tyr)

Gene: JUP (junction plakoglobin; minus strand). Cytogenetic location: 17q21.2.
Variant type: single nucleotide variant.
Coding change: c.211G>T on transcript NM_002230.4 (MANE Select); coding-DNA position 211, G replaced by T.
Protein change: p.Asp71Tyr; replaces aspartic acid 71 with tyrosine.
Molecular consequence: missense variant.
Genome position (GRCh38, 1-based): chr17:41,769,675, C>A on the plus strand (G>T on the coding strand, the complement: JUP is on the minus strand). VCF-style: chr17-41769675-C-A. GRCh37 (hg19) VCF-style: chr17-39925927-C-A.
Other names: p.Asp71Tyr; c.211G>T, p.Asp71Tyr (NM_001352773.2, NM_001352774.2, NM_001352775.2 and 3 more transcripts); short protein forms D71Y.
Identifiers: ClinVar variation 1427673 (VCV001427673.13), dbSNP rs781869872, ClinGen allele CA8565549.